The following is an entry in ClinVar:

NM_032793.5(MFSD2A):c.522C>T (p.Thr174=)

Gene: MFSD2A (MFSD2 lysolipid transporter A, lysophospholipid; plus strand). Cytogenetic location: 1p34.2.
Variant type: single nucleotide variant.
Coding change: c.522C>T on transcript NM_032793.5 (MANE Select); coding-DNA position 522, C replaced by T.
Protein change: p.Thr174=; no amino-acid change (threonine 174 retained).
Molecular consequence: synonymous variant. On other transcripts: non-coding transcript variant (1).
Genome position (GRCh38, 1-based): chr1:39,965,515, C>T. VCF-style: chr1-39965515-C-T. GRCh37 (hg19) VCF-style: chr1-40431187-C-T.
Other names: c.561C>T, p.Thr187= (NM_001136493.3); c.54C>T, p.Thr18= (NM_001287808.2); c.411C>T, p.Thr137= (NM_001287809.2); c.516C>T, p.Thr172= (NM_001349821.2); c.522C>T, p.Thr174= (NM_001349822.2); c.177C>T, p.Thr59= (NM_001349823.2).
Identifiers: ClinVar variation 2168852 (VCV002168852.5), dbSNP rs765969982, ClinGen allele CA788678.

ClinVar aggregate classification (germline): Likely benign. Review status: criteria provided, multiple submitters, no conflicts (2 of 4 stars). 2 submissions from 2 submitters: Likely benign (2). Last evaluated 2026-09-01.

Allele frequency attached by ClinVar (database versions not stated): gnomAD 0.00001; gnomAD exomes 0.00001; TOPMed 0.00001; ExAC 0.00002.
gnomAD v4.1: 15 of 1,613,938 alleles (0.00093%); highest among the groups gnomAD compares: East Asian, 0.0045%; no homozygotes.

Submissions (2):

CeGaT Center for Human Genetics Tuebingen
Classification: Likely benign. Last evaluated: 2026-09-01. Review status: criteria provided, single submitter. Criteria: CeGaT Center For Human Genetics Tuebingen Variant Classification Criteria Version 2. Collection method: clinical testing. Allele origin: germline. Affected: yes. Observed: 1 variant allele.
Comment: MFSD2A: BP4, BP7

Labcorp Genetics (formerly Invitae), Labcorp
Classification: Likely benign. Last evaluated: 2025-04-21. Review status: criteria provided, single submitter. Criteria: Invitae Variant Classification Sherloc (09022015). Collection method: clinical testing. Allele origin: germline.